The following is an entry in ClinVar:

NM_000392.5(ABCC2):c.2550C>G (p.Ala850=)

Gene: ABCC2 (ATP binding cassette subfamily C member 2; plus strand). Cytogenetic location: 10q24.2.
Variant type: single nucleotide variant.
Coding change: c.2550C>G on transcript NM_000392.5 (MANE Select); coding-DNA position 2550, C replaced by G.
Protein change: p.Ala850=; no amino-acid change (alanine 850 retained).
Molecular consequence: synonymous variant.
Genome position (GRCh38, 1-based): chr10:99,819,199, C>G. VCF-style: chr10-99819199-C-G. GRCh37 (hg19) VCF-style: chr10-101578956-C-G.
Other names: c.2550C>G (NM_000392.4).
Identifiers: ClinVar variation 3010035 (VCV003010035.5), dbSNP rs770766136, ClinGen allele CA5643511.

ClinVar aggregate classification (germline): Likely benign. Review status: criteria provided, single submitter (1 of 4 stars). 2 submissions from 2 submitters: Likely benign (1). 1 of the submissions does not count toward it. Last evaluated 2023-11-25.

Conditions:
ABCC2-related disorder. Also called: ABCC2-related condition.

Allele frequency attached by ClinVar (database versions not stated): gnomAD exomes below 0.00001; ExAC 0.00001; gnomAD 0.00003; TOPMed 0.00003.
gnomAD v4.1: 10 of 1,613,608 alleles (0.00062%); highest among the groups gnomAD compares: African/African-American, 0.013%; no homozygotes.

Submissions (2):

Labcorp Genetics (formerly Invitae), Labcorp
Classification: Likely benign. Last evaluated: 2023-11-25. Review status: criteria provided, single submitter. Criteria: Invitae Variant Classification Sherloc (09022015). Collection method: clinical testing. Allele origin: germline.

PreventionGenetics, part of Exact Sciences
Classification: Likely benign for ABCC2-related condition. Last evaluated: 2021-04-05. Review status: no assertion criteria provided. Collection method: clinical testing. Allele origin: germline. Not counted in ClinVar's aggregate classification.
Comment: This variant is classified as likely benign based on ACMG/AMP sequence variant interpretation guidelines (Richards et al. 2015 PMID: 25741868, with internal and published modifications).